The following is an entry in ClinVar:

NC_012920.1(MT-CO2):m.7772A>G

Gene: MT-CO2 (mitochondrially encoded cytochrome c oxidase II; plus strand).
Variant type: single nucleotide variant.
Genome position: chrM-7772-A-G.
Identifiers: ClinVar variation 692773 (VCV000692773.1), dbSNP rs1603221127, ClinGen allele CA414793664.

ClinVar aggregate classification (germline): Likely benign (1 of 4 stars; one submission).

Conditions:
Leigh syndrome (NULS). Also called: Leigh's necrotizing encephalopathy; Leigh's disease; Leigh Syndrome (mtDNA deletion); Leigh Disease; Subacute necrotizing encephalopathy; Necrotizing encephalopathy infantile subacute of Leigh. Identifiers: Orphanet 506, MedGen C2931891, MONDO:0009723, OMIM 256000.

Submission:

Wong Mito Lab, Molecular and Human Genetics, Baylor College of Medicine
Classification: Likely benign for Leigh syndrome. Last evaluated: 2019-10-17. Review status: criteria provided, single submitter. Criteria: Modified ACMG Guidelines (Unpublished). Collection method: clinical testing. Allele origin: germline.
Comment: The NC_012920.1:m.7772A>G (YP_003024029.1:p.Thr63Ala) variant in MTCO2 gene is interpretated to be a Likely Benign variant based on the modified ACMG guidelines (unpublished). This variant meets the following evidence codes: BS4, BP4